The following is an entry in ClinVar:

ClinVar aggregate classification (germline): Uncertain significance (1 of 4 stars; one submission).

Conditions:
Nemaline myopathy 5 (NEM5A). Also called: NEMALINE MYOPATHY 5A, AUTOSOMAL RECESSIVE, SEVERE INFANTILE; NEMALINE MYOPATHY, AMISH TYPE; Nemaline myopathy 5, Amish type. Identifiers: Orphanet 98902, MedGen C1854380, MONDO:0011539, OMIM 605355.

Submission:

Labcorp Genetics (formerly Invitae), Labcorp
Classification: Uncertain significance for Nemaline myopathy 5. Last evaluated: 2022-04-24. Review status: criteria provided, single submitter. Criteria: Invitae Variant Classification Sherloc (09022015). Collection method: clinical testing. Allele origin: germline.
Comment: This sequence change replaces aspartic acid, which is acidic and polar, with glutamic acid, which is acidic and polar, at codon 64 of the TNNT1 protein (p.Asp64Glu). This variant is not present in population databases (gnomAD no frequency). In summary, the available evidence is currently insufficient to determine the role of this variant in disease. Therefore, it has been classified as a Variant of Uncertain Significance. Algorithms developed to predict the effect of missense changes on protein structure and function (SIFT, PolyPhen-2, Align-GVGD) all suggest that this variant is likely to be disruptive. This variant has not been reported in the literature in individuals affected with TNNT1-related conditions.

NM_003283.6(TNNT1):c.192T>G (p.Asp64Glu)

Gene: TNNT1 (troponin T1, slow skeletal type; minus strand). Cytogenetic location: 19q13.42.
Variant type: single nucleotide variant.
Coding change: c.192T>G on transcript NM_003283.6 (MANE Select); coding-DNA position 192, T replaced by G.
Protein change: p.Asp64Glu; replaces aspartic acid 64 with glutamic acid.
Molecular consequence: missense variant.
Genome position (GRCh38, 1-based): chr19:55,141,857, A>C on the plus strand (T>G on the coding strand, the complement: TNNT1 is on the minus strand). VCF-style: chr19-55141857-A-C. GRCh37 (hg19) VCF-style: chr19-55653225-A-C.
Other names: c.192T>G, p.Asp64Glu (NM_001126132.3); c.159T>G, p.Asp53Glu (NM_001126133.3, NM_001291774.2); short protein forms D53E, D64E.
Identifiers: ClinVar variation 2130058 (VCV002130058.4), dbSNP rs2515448385, ClinGen allele CA407436567.